The following is an entry in ClinVar:

NM_000250.2(MPO):c.604G>T (p.Glu202Ter)

Gene: MPO (myeloperoxidase; minus strand). Cytogenetic location: 17q22.
Variant type: single nucleotide variant.
Coding change: c.604G>T on transcript NM_000250.2 (MANE Select); coding-DNA position 604, G replaced by T.
Protein change: p.Glu202Ter; replaces glutamic acid 202 with a stop codon.
Molecular consequence: nonsense.
Genome position (GRCh38, 1-based): chr17:58,279,371, C>A on the plus strand (G>T on the coding strand, the complement: MPO is on the minus strand). VCF-style: chr17-58279371-C-A. GRCh37 (hg19) VCF-style: chr17-56356732-C-A.
Other names: c.604G>T (LRG_84t1); short protein forms E202*.
Identifiers: ClinVar variation 489145 (VCV000489145.29), dbSNP rs778013714, ClinGen allele CA8670909.

ClinVar aggregate classification (germline): Conflicting classifications of pathogenicity. Review status: criteria provided, conflicting classifications (1 of 4 stars). 6 submissions from 6 submitters: Likely pathogenic (5); Uncertain significance (1). Last evaluated 2025-02-19.

Conditions:
Myeloperoxidase deficiency (MPOD). Also called: Myeloperoxidase deficiency syndrome; MPO DEFICIENCY. Identifiers: Orphanet 2587, MedGen C0398595, MONDO:0009694, OMIM 254600.
Alzheimer disease type 1 (AD1). Also called: ALZHEIMER DISEASE, FAMILIAL, 1; ALZHEIMER DISEASE, FAMILIAL, 1, AUTOSOMAL RECESSIVE. Identifiers: MedGen C1863052, MONDO:0007088, OMIM 104300.
MPO-related disorder. Also called: MPO-related condition.

Allele frequency attached by ClinVar (database versions not stated): ExAC 0.00012; gnomAD 0.00012 and 0.00014; gnomAD exomes 0.00013 and 0.00026; TOPMed 0.00015.
gnomAD v4.1: 382 of 1,597,222 alleles (0.024%); highest among the groups gnomAD compares: Non-Finnish European, 0.031%; 1 homozygote.

Submissions (6):

GeneDx
Classification: Likely pathogenic. Last evaluated: 2025-02-19. Review status: criteria provided, single submitter. Criteria: GeneDx Variant Classification Process June 2021. Collection method: clinical testing. Allele origin: germline. Affected: yes.
Comment: Nonsense variant predicted to result in protein truncation or nonsense mediated decay in a gene for which loss of function is a known mechanism of disease; This variant is associated with the following publications: (PMID: 31589614, 31980526, 35761024)

Blueprint Genetics
Classification: Likely pathogenic for MPO-related disorders. Last evaluated: 2024-10-31. Review status: criteria provided, single submitter. Criteria: ACMG Guidelines, 2015. Collection method: clinical testing. Allele origin: germline. Affected: yes. Observed: 5 variant alleles.

CeGaT Center for Human Genetics Tuebingen
Classification: Uncertain significance. Last evaluated: 2024-05-01. Review status: criteria provided, single submitter. Criteria: CeGaT Center For Human Genetics Tuebingen Variant Classification Criteria Version 2. Collection method: clinical testing. Allele origin: germline. Affected: yes. Observed: 1 variant allele.
Comment: MPO: PM2, PVS1:Moderate

Institute of Medical Genetics and Applied Genomics, University Hospital Tübingen
Classification: Likely pathogenic for Myeloperoxidase deficiency. Last evaluated: 2023-11-02. Review status: criteria provided, single submitter. Criteria: ACMG Guidelines, 2015. Collection method: clinical testing. Allele origin: germline. Inheritance: Autosomal recessive inheritance. Affected: yes.

Department of Pathology and Laboratory Medicine, Sinai Health System
Classification: Likely pathogenic for Myeloperoxidase deficiency. Last evaluated: 2023-09-11. Review status: criteria provided, single submitter. Criteria: ACMG Guidelines, 2015. Collection method: research. Allele origin: germline.

Fulgent Genetics
Classification: Likely pathogenic for Alzheimer disease type 1; Myeloperoxidase deficiency. Last evaluated: 2022-04-26. Review status: criteria provided, single submitter. Criteria: ACMG Guidelines, 2015. Collection method: clinical testing. Allele origin: unknown.